The following is an entry in ClinVar:

ClinVar aggregate classification (germline): Uncertain significance (1 of 4 stars; one submission).

gnomAD v4.1: 8 of 1,548,652 alleles (0.00052%); highest among the groups gnomAD compares: Admixed American, 0.0077%; no homozygotes.

Submission:

GeneDx
Classification: Uncertain significance. Last evaluated: 2024-07-23. Review status: criteria provided, single submitter. Criteria: GeneDx Variant Classification Process June 2021. Collection method: clinical testing. Allele origin: germline. Affected: yes.
Comment: Not observed at significant frequency in large population cohorts (gnomAD); Missense variant in a gene in which most reported pathogenic variants are truncating/loss of function; Has not been previously published as pathogenic or benign to our knowledge

NM_001267550.2(TTN):c.97759C>T (p.Arg32587Cys)

Genes: TTN (titin; minus strand), TTN-AS1 (TTN antisense RNA 1; plus strand). Cytogenetic location: 2q31.2.
Variant type: single nucleotide variant.
Coding change: c.97759C>T on transcript NM_001267550.2 (MANE Select); coding-DNA position 97759, C replaced by T.
Protein change: p.Arg32587Cys; replaces arginine 32587 with cysteine.
Molecular consequence: missense variant.
Genome position (GRCh38, 1-based): chr2:178,541,318, G>A on the plus strand (C>T on the coding strand, the complement: TTN is on the minus strand). VCF-style: chr2-178541318-G-A. GRCh37 (hg19) VCF-style: chr2-179406045-G-A.
Other names: c.92836C>T, p.Arg30946Cys (NM_001256850.1); c.70564C>T, p.Arg23522Cys (NM_003319.4); c.90055C>T, p.Arg30019Cys (NM_133378.4); c.70939C>T, p.Arg23647Cys (NM_133432.3); c.71140C>T, p.Arg23714Cys (NM_133437.4); short protein forms R23522C, R23647C, R23714C, R30019C, R30946C, R32587C.
Identifiers: ClinVar variation 3600810 (VCV003600810.1).